The following is an entry in ClinVar:

NM_032108.4(SEMA6B):c.1966G>T (p.Glu656Ter)

Gene: SEMA6B (semaphorin 6B; minus strand). Cytogenetic location: 19p13.3.
Variant type: single nucleotide variant.
Coding change: c.1966G>T on transcript NM_032108.4 (MANE Select); coding-DNA position 1966, G replaced by T.
Protein change: p.Glu656Ter; replaces glutamic acid 656 with a stop codon.
Molecular consequence: nonsense.
Genome position (GRCh38, 1-based): chr19:4,544,302, C>A on the plus strand (G>T on the coding strand, the complement: SEMA6B is on the minus strand). VCF-style: chr19-4544302-C-A. GRCh37 (hg19) VCF-style: chr19-4544314-C-A.
Other names: c.1966G>T (NM_032108.3); short protein forms E656*.
Identifiers: ClinVar variation 1334134 (VCV001334134.40), dbSNP rs747115338, ClinGen allele CA403461494.

ClinVar aggregate classification (germline): Pathogenic. Review status: criteria provided, single submitter (1 of 4 stars). 2 submissions from 2 submitters: Pathogenic (1). 1 of the submissions does not count toward it. Last evaluated 2022-01-17.

Submissions (2):

GeneDx
Classification: Pathogenic. Last evaluated: 2022-01-17. Review status: criteria provided, single submitter. Criteria: GeneDx Variant Classification Process June 2021. Collection method: clinical testing. Allele origin: germline. Affected: yes.
Comment: Nonsense variant in the C-terminus predicted to result in protein truncation, as the last 233 amino acids are lost, and other loss-of-function variants have been reported downstream in HGMD; Not observed at significant frequency in large population cohorts (gnomAD); Has not been previously published as pathogenic or benign to our knowledge

Kruer lab, Phoenix Children's Hospital
Classification: Likely pathogenic. Review status: no assertion criteria provided. Collection method: research. Allele origin: de novo. Inheritance: Autosomal dominant inheritance. Affected: yes. Observed: 1 heterozygote. Not counted in ClinVar's aggregate classification.